The following is an entry in ClinVar:

NM_001042492.3(NF1):c.397G>T (p.Glu133Ter)

Gene: NF1 (neurofibromin 1; plus strand). Cytogenetic location: 17q11.2.
Variant type: single nucleotide variant.
Coding change: c.397G>T on transcript NM_001042492.3 (MANE Select); coding-DNA position 397, G replaced by T.
Protein change: p.Glu133Ter; replaces glutamic acid 133 with a stop codon.
Molecular consequence: nonsense.
Genome position (GRCh38, 1-based): chr17:31,163,294, G>T. VCF-style: chr17-31163294-G-T. GRCh37 (hg19) VCF-style: chr17-29490312-G-T.
Other names: c.397G>T, p.Glu133Ter (NM_000267.4, NM_001128147.3); short protein forms E133*.
Identifiers: ClinVar variation 4280817 (VCV004280817.8).

ClinVar aggregate classification (germline): Pathogenic. Review status: criteria provided, multiple submitters, no conflicts (2 of 4 stars). 2 submissions from 2 submitters: Pathogenic (2). Last evaluated 2026-02-26.

Conditions:
Neurofibromatosis, type 1 (NF1). Also called: VON RECKLINGHAUSEN DISEASE; NEUROFIBROMATOSIS, TYPE I, SOMATIC; Peripheral type neurofibromatosis; Neurofibromatosis, type I. Identifiers: Orphanet 636, MedGen C0027831, MONDO:0018975, OMIM 162200. Disease mechanism: loss of function.

Submissions (2):

NHS Central & South Genomic Laboratory Hub
Classification: Pathogenic for Neurofibromatosis type 1. Last evaluated: 2026-02-26. Review status: criteria provided, single submitter. Criteria: ACMG Guidelines, 2015. Collection method: clinical testing. Allele origin: germline. Affected: yes.

CeGaT Center for Human Genetics Tuebingen
Classification: Pathogenic. Last evaluated: 2025-09-01. Review status: criteria provided, single submitter. Criteria: CeGaT Center For Human Genetics Tuebingen Variant Classification Criteria Version 2. Collection method: clinical testing. Allele origin: germline. Affected: yes. Observed: 1 variant allele.
Comment: NF1: PVS1, PM2